The following is an entry in ClinVar:

NM_001039591.3(USP9X):c.5200G>C (p.Glu1734Gln)

Gene: USP9X (ubiquitin specific peptidase 9 X-linked; plus strand). Cytogenetic location: Xp11.4.
Variant type: single nucleotide variant.
Coding change: c.5200G>C on transcript NM_001039591.3 (MANE Select); coding-DNA position 5200, G replaced by C.
Protein change: p.Glu1734Gln; replaces glutamic acid 1734 with glutamine.
Molecular consequence: missense variant.
Genome position (GRCh38, 1-based): chrX:41,214,578, G>C. VCF-style: chrX-41214578-G-C. GRCh37 (hg19) VCF-style: chrX-41073831-G-C.
Other names: c.5200G>C, p.Glu1734Gln (NM_001039590.3); c.5215G>C, p.Glu1739Gln (NM_001410748.1, NM_001410749.1); short protein forms E1734Q, E1739Q.
Identifiers: ClinVar variation 3369255 (VCV003369255.2).
Genomic context (GRCh38, chrX:41,214,578, plus strand): 5'-AAAATGTTTACAAAACTAAGGGATAAATCCTTTTTTTAAATCGTTTTTAGGTACGAATGT[G>C]AAGAATCTTTTACGACCCTAAACGTAGACATTAGAAATCACCAAAATCTTCTTGATTCTT-3'
Protein context (NP_001034680.2, residues 1724-1744): CQGCPHRYEC[Glu1734Gln]ESFTTLNVDI

ClinVar aggregate classification (germline): Uncertain significance (1 of 4 stars; one submission).

gnomAD v4.1: 2 of 1,171,315 alleles (0.00017%); highest among the groups gnomAD compares: African/African-American, 0.0036%; no homozygotes.

Submission:

GeneDx
Classification: Uncertain significance. Last evaluated: 2026-02-03. Review status: criteria provided, single submitter. Criteria: GeneDx Variant Classification Process June 2021. Collection method: clinical testing. Allele origin: germline.
Comment: Not observed at significant frequency in large population cohorts (gnomAD); In silico analysis supports that this missense variant has a deleterious effect on protein structure/function; Has not been previously published as pathogenic or benign to our knowledge